The following is an entry in ClinVar:

NM_007194.4(CHEK2):c.110G>A (p.Gly37Asp)

Gene: CHEK2 (checkpoint kinase 2; minus strand). Cytogenetic location: 22q12.1.
Variant type: single nucleotide variant.
Coding change: c.110G>A on transcript NM_007194.4 (MANE Select); coding-DNA position 110, G replaced by A.
Protein change: p.Gly37Asp; replaces glycine 37 with aspartic acid.
Molecular consequence: missense variant.
Genome position (GRCh38, 1-based): chr22:28,734,612, C>T on the plus strand (G>A on the coding strand, the complement: CHEK2 is on the minus strand). VCF-style: chr22-28734612-C-T. GRCh37 (hg19) VCF-style: chr22-29130600-C-T.
Other names: c.110G>A, p.Gly37Asp (NM_001005735.3, NM_001349956.3, NM_145862.3); c.-668G>A (NM_001257387.3); short protein forms G37D.
Identifiers: ClinVar variation 230039 (VCV000230039.9), dbSNP rs764750609, ClinGen allele CA10581113.
Genomic context (GRCh38, chr22:28,734,612, plus strand): 5'-GAGCTGGAGTGAGAGGACTGGCTGGAGTTTGGCATCGTGCTGGTAGAGGAGCTGGATATG[C>T]CCTGGGACTGTGAGGAGGAGCCTTGGGACTGGGTAACGCTGCCATGGGGCTGTGAACAGG-3'
Protein context (NP_009125.1, residues 27-47): QSQGSSSQSQ[Gly37Asp]ISSSSTSTMP

ClinVar aggregate classification (germline): Uncertain significance. Review status: criteria provided, multiple submitters, no conflicts (2 of 4 stars). 2 submissions from 2 submitters: Uncertain significance (2). Last evaluated 2025-05-15.

Conditions:
Hereditary cancer-predisposing syndrome. Also called: Hereditary neoplastic syndrome; Hereditary Cancer Syndrome; Neoplastic Syndromes, Hereditary; Tumor predisposition. Identifiers: Orphanet 140162, MedGen C0027672, MeSH D009386, MONDO:0015356.

Allele frequency attached by ClinVar (database versions not stated): gnomAD exomes below 0.00001.
gnomAD v4.1: 1 of 1,613,704 alleles (0.000062%); highest among the groups gnomAD compares: Non-Finnish European, 0.000085%; no homozygotes.

Submissions (2):

Ambry Genetics
Classification: Uncertain significance for Hereditary cancer-predisposing syndrome. Last evaluated: 2025-05-15. Review status: criteria provided, single submitter. Criteria: Ambry Variant Classification Scheme 2023. Collection method: clinical testing. Allele origin: germline.
Comment: The p.G37D variant (also known as c.110G>A), located in coding exon 1 of the CHEK2 gene, results from a G to A substitution at nucleotide position 110. The glycine at codon 37 is replaced by aspartic acid, an amino acid with similar properties. This variant was not reported in population based cohorts in the following databases: Database of Single Nucleotide Polymorphisms (dbSNP), NHLBI Exome Sequencing Project (ESP), and 1000 Genomes Project. In the ESP, this variant was not observed in 6503 samples (13006 alleles) with coverage at this position. To date, this alteration has been detected with an allele frequency of approximately 0.001% (greater than 200000 alleles tested) in our clinical cohort. This amino acid position is not well conserved in available vertebrate species. In addition, the in silico prediction for this alteration is inconclusive. Since supporting evidence is limited at this time, the clinical significance of p.G37D remains unclear.

Color Diagnostics, LLC DBA Color Health
Classification: Uncertain significance for Hereditary cancer-predisposing syndrome. Last evaluated: 2018-09-03. Review status: criteria provided, single submitter. Criteria: ACMG Guidelines, 2015. Collection method: clinical testing. Allele origin: germline.